The following is an entry in ClinVar:

NM_001363118.2(SLC52A2):c.1126-2A>C

Gene: SLC52A2 (solute carrier family 52 member 2; plus strand). Cytogenetic location: 8q24.3.
Variant type: single nucleotide variant.
Coding change: c.1126-2A>C on transcript NM_001363118.2 (MANE Select); the canonical splice acceptor site of the intron before coding-DNA position 1126, A replaced by C.
Molecular consequence: splice acceptor variant.
Genome position (GRCh38, 1-based): chr8:144,360,801, A>C. VCF-style: chr8-144360801-A-C. GRCh37 (hg19) VCF-style: chr8-145584461-A-C.
Other names: c.1126-2A>C (NM_001253816.2, NM_001363121.2, NM_001363120.2 and 2 more transcripts); c.634-2A>C (NM_001363122.2); c.862-2A>C (NM_001410949.1).
Identifiers: ClinVar variation 861865 (VCV000861865.7), dbSNP rs1554854548, ClinGen allele CA372629253.
Genomic context (GRCh38, chr8:144,360,801, plus strand): 5'-TGGGGGGGCGTTGCCCTGGAGCAGGCACATCTCACGCTCAGCTGGTGCTGTGTCCCCCTC[A>C]GGTGCTGTCGTGGGTGCTGTGTCTTGGCGTGTTCTCCTACGTGAAGGTGGCAGCCAGCTC-3'

ClinVar aggregate classification (germline): Uncertain significance (1 of 4 stars; one submission).

Conditions:
Brown-Vialetto-van Laere syndrome 2. Also called: SPINOCEREBELLAR ATAXIA WITH BLINDNESS AND DEAFNESS 2; Riboflavin transporter deficiency type 2. Identifiers: Orphanet 572543, Orphanet 97229, MedGen C3553538, MONDO:0013867, OMIM 614707.

Allele frequency attached by ClinVar (database versions not stated): gnomAD exomes below 0.00001 and 0.00001; TOPMed below 0.00001.
gnomAD v4.1: 7 of 1,612,170 alleles (0.00043%); highest among the groups gnomAD compares: Non-Finnish European, 0.00059%; no homozygotes.

Submission:

Labcorp Genetics (formerly Invitae), Labcorp
Classification: Uncertain significance for Brown-Vialetto-van Laere syndrome 2. Last evaluated: 2019-03-19. Review status: criteria provided, single submitter. Criteria: Invitae Variant Classification Sherloc (09022015). Collection method: clinical testing. Allele origin: germline.
Comment: In summary, the available evidence is currently insufficient to determine the role of this variant in disease. Therefore, it has been classified as a Variant of Uncertain Significance. This variant has not been reported in the literature in individuals with SLC52A2-related conditions. This variant is not present in population databases (ExAC no frequency). This sequence change affects an acceptor splice site in the last intron (intron 4) of the SLC52A2 gene. While this is not anticipated to result in nonsense mediated decay, it likely alters RNA splicing and results in a disrupted protein product.